The following is an entry in ClinVar:

ClinVar aggregate classification (germline): Likely benign (1 of 4 stars; one submission).

Conditions:
ADCY3-related disorder. Also called: ADCY3-related condition.

gnomAD v4.1: 2 of 1,612,358 alleles (0.00012%); highest among the groups gnomAD compares: African/African-American, 0.0027%; no homozygotes.

Submission:

PreventionGenetics, part of Exact Sciences
Classification: Likely benign for ADCY3-related condition. Last evaluated: 2026-03-04. Review status: criteria provided, single submitter. Criteria: ACMG Guidelines, 2015. Collection method: clinical testing. Allele origin: germline.
Comment: This variant is classified as likely benign based on ACMG/AMP sequence variant interpretation guidelines (Richards et al. 2015 PMID: 25741868, with internal and published modifications).

NM_004036.5(ADCY3):c.72G>A (p.Leu24=)

Gene: ADCY3 (adenylate cyclase 3; minus strand). Cytogenetic location: 2p23.3.
Variant type: single nucleotide variant.
Coding change: c.72G>A on transcript NM_004036.5 (MANE Select); coding-DNA position 72, G replaced by A.
Protein change: p.Leu24=; no amino-acid change (leucine 24 retained).
Molecular consequence: synonymous variant.
Genome position (GRCh38, 1-based): chr2:24,918,916, C>T on the plus strand (G>A on the coding strand, the complement: ADCY3 is on the minus strand). VCF-style: chr2-24918916-C-T. GRCh37 (hg19) VCF-style: chr2-25141785-C-T.
Other names: c.72G>A, p.Leu24= (NM_001320613.2, NM_001377128.1, NM_001377129.1 and 2 more transcripts).
Identifiers: ClinVar variation 4994262 (VCV004994262.1).
Genomic context (GRCh38, chr2:24,918,916, plus strand): 5'-GCCCGAGTTCCGGACCGAGATTTCATGGGTCCGGCCCACCCCGCGGTCAGGGTCGGAGGG[C>T]AGGCTGACGGAGTACTCGGCTGAGTACTCGGCCGAGTATTCGGGCTCGGAGAAGCCCTGG-3'
Protein context (NP_004027.2, residues 14-34): AEYSAEYSVS[Leu24=]PSDPDRGVGR